The following is an entry in ClinVar:

ClinVar aggregate classification (germline): Pathogenic (1 of 4 stars; one submission).

Conditions:
Leber congenital amaurosis 1 (LCA1). Also called: AMAUROSIS CONGENITA OF LEBER I; Congenital absence of the rods and cones; Leber's congenital tapetoretinal degeneration; Leber's congenital tapetoretinal dysplasia; RETINAL BLINDNESS, CONGENITAL. Identifiers: Orphanet 65, MedGen C2931258, MONDO:0008764, OMIM 204000.
Cone-rod dystrophy 6 (CORD6). Also called: Cone dystrophy progressive; RETINAL CONE DYSTROPHY 2. Identifiers: Orphanet 1872, MedGen C1866293, MONDO:0011143, OMIM 601777.

Submission:

Labcorp Genetics (formerly Invitae), Labcorp
Classification: Pathogenic for Leber congenital amaurosis 1; Cone-rod dystrophy 6. Last evaluated: 2024-08-31. Review status: criteria provided, single submitter. Criteria: Invitae Variant Classification Sherloc (09022015). Collection method: clinical testing. Allele origin: germline.
Comment: This sequence change creates a premature translational stop signal (p.Pro575Glnfs*62) in the GUCY2D gene. It is expected to result in an absent or disrupted protein product. Loss-of-function variants in GUCY2D are known to be pathogenic (PMID: 10951519, 11328726). This variant is not present in population databases (gnomAD no frequency). This variant has not been reported in the literature in individuals affected with GUCY2D-related conditions. For these reasons, this variant has been classified as Pathogenic.

Literature cited by the submitters: PubMed 10951519; PubMed 11328726.

NM_000180.4(GUCY2D):c.1724del (p.Pro575fs)

Gene: GUCY2D (guanylate cyclase 2D, retinal; plus strand). Cytogenetic location: 17p13.1.
Variant type: Deletion.
Coding change: c.1724del on transcript NM_000180.4 (MANE Select); coding-DNA position 1724, one base deleted (C; older notation c.1724delC).
Protein change: p.Pro575fs; shifts the reading frame from proline 575.
Molecular consequence: frameshift variant.
Genome position (GRCh38, 1-based): chr17:8,009,561, C deleted; the last of 3 consecutive C bases (chr17:8,009,559-8,009,561); deleting any one gives the same sequence. VCF-style (leftmost placement, unchanged base first): chr17-8009558-GC-G. GRCh37 (hg19) VCF-style: chr17-7912876-GC-G.
Other names: short protein forms P575fs.
Identifiers: ClinVar variation 3757676 (VCV003757676.2).